The following is an entry in ClinVar:

NM_005228.5(EGFR):c.2756C>T (p.Pro919Leu)

Gene: EGFR (epidermal growth factor receptor; plus strand). Cytogenetic location: 7p11.2.
Variant type: single nucleotide variant.
Coding change: c.2756C>T on transcript NM_005228.5 (MANE Select); coding-DNA position 2756, C replaced by T.
Protein change: p.Pro919Leu; replaces proline 919 with leucine.
Molecular consequence: missense variant.
Genome position (GRCh38, 1-based): chr7:55,198,771, C>T. VCF-style: chr7-55198771-C-T. GRCh37 (hg19) VCF-style: chr7-55266464-C-T.
Other names: c.2621C>T, p.Pro874Leu (NM_001346897.2, NM_001346899.2); c.2756C>T, p.Pro919Leu (NM_001346898.2); c.2597C>T, p.Pro866Leu (NM_001346900.2); c.1955C>T, p.Pro652Leu (NM_001346941.2); short protein forms P919L, P652L, P866L, P874L.
Identifiers: ClinVar variation 2796736 (VCV002796736.4), dbSNP rs2128968730, ClinGen allele CA367581291.
Genomic context (GRCh38, chr7:55,198,771, plus strand): 5'-TCTCAGGGGTGACTGTTTGGGAGTTGATGACCTTTGGATCCAAGCCATATGACGGAATCC[C>T]TGCCAGCGAGATCTCCTCCATCCTGGAGAAAGGAGAACGCCTCCCTCAGCCACCCATATG-3'
Protein context (NP_005219.2, residues 909-929): TFGSKPYDGI[Pro919Leu]ASEISSILEK

ClinVar aggregate classification (germline): Uncertain significance. Review status: criteria provided, multiple submitters, no conflicts (2 of 4 stars). 2 submissions from 2 submitters: Uncertain significance (2). Last evaluated 2026-07-12.

Conditions:
EGFR-related lung cancer (EGFR). Identifiers: MedGen CN130014.
Hereditary cancer-predisposing syndrome. Also called: Hereditary Cancer Syndrome; Hereditary neoplastic syndrome; Neoplastic Syndromes, Hereditary; Tumor predisposition. Identifiers: Orphanet 140162, MedGen C0027672, MeSH D009386, MONDO:0015356.

Allele frequency attached by ClinVar (database versions not stated): gnomAD exomes below 0.00001.
gnomAD v4.1: 2 of 1,614,202 alleles (0.00012%); highest among the groups gnomAD compares: South Asian, 0.0022%; no homozygotes.

Submissions (2):

Ambry Genetics
Classification: Uncertain significance for Hereditary cancer-predisposing syndrome. Last evaluated: 2026-07-12. Review status: criteria provided, single submitter. Criteria: Ambry Variant Classification Scheme 2023. Collection method: clinical testing. Allele origin: germline.
Comment: The p.P919L variant (also known as c.2756C>T), located in coding exon 23 of the EGFR gene, results from a C to T substitution at nucleotide position 2756. The proline at codon 919 is replaced by leucine, an amino acid with similar properties. This amino acid position is conserved. In addition, the in silico prediction for this alteration is inconclusive. Based on the available evidence, the clinical significance of this variant remains unclear.

Labcorp Genetics (formerly Invitae), Labcorp
Classification: Uncertain significance for EGFR-related lung cancer. Last evaluated: 2023-03-22. Review status: criteria provided, single submitter. Criteria: Invitae Variant Classification Sherloc (09022015). Collection method: clinical testing. Allele origin: germline.
Comment: In summary, the available evidence is currently insufficient to determine the role of this variant in disease. Therefore, it has been classified as a Variant of Uncertain Significance. Advanced modeling of protein sequence and biophysical properties (such as structural, functional, and spatial information, amino acid conservation, physicochemical variation, residue mobility, and thermodynamic stability) has been performed at Invitae for this missense variant, however the output from this modeling did not meet the statistical confidence thresholds required to predict the impact of this variant on EGFR protein function. This variant has not been reported in the literature in individuals affected with EGFR-related conditions. This variant is not present in population databases (gnomAD no frequency). This sequence change replaces proline, which is neutral and non-polar, with leucine, which is neutral and non-polar, at codon 919 of the EGFR protein (p.Pro919Leu).